The following is an entry in ClinVar:

NM_015512.5(DNAH1):c.3201C>T (p.Cys1067=)

Gene: DNAH1 (dynein axonemal heavy chain 1; plus strand). Cytogenetic location: 3p21.1.
Variant type: single nucleotide variant.
Coding change: c.3201C>T on transcript NM_015512.5 (MANE Select); coding-DNA position 3201, C replaced by T.
Protein change: p.Cys1067=; no amino-acid change (cysteine 1067 retained).
Molecular consequence: synonymous variant.
Genome position (GRCh38, 1-based): chr3:52,353,276, C>T. VCF-style: chr3-52353276-C-T. GRCh37 (hg19) VCF-style: chr3-52387292-C-T.
Other names: p.Cys1067=.
Identifiers: ClinVar variation 478439 (VCV000478439.27), dbSNP rs114066123, ClinGen allele CA2433496.

ClinVar aggregate classification (germline): Benign/Likely benign. Review status: criteria provided, multiple submitters, no conflicts (2 of 4 stars). 5 submissions from 5 submitters: Benign (4); Likely benign (1). Last evaluated 2026-02-01.

Conditions:
Spermatogenic failure 18. Identifiers: MedGen C4539783, MONDO:0054615, OMIM 617576.
Ciliary dyskinesia, primary, 37 (CILD37). Also called: CILIARY DYSKINESIA, PRIMARY, 37, WITH OR WITHOUT SITUS INVERSUS. Identifiers: MedGen C4539798, MONDO:0033204, OMIM 617577.

Allele frequency attached by ClinVar (database versions not stated): TOPMed 0.00563; gnomAD 0.00725 and 0.00742; ESP Exome Variant Server 0.00744; 1000 Genomes Project 30x 0.00406; 1000 Genomes Project 0.00439.
gnomAD v4.1: 15,419 of 1,613,862 alleles (0.96%); highest among the groups gnomAD compares: Non-Finnish European, 1.1%; 112 homozygotes.

Submissions (5):

Labcorp Genetics (formerly Invitae), Labcorp
Classification: Benign for Ciliary dyskinesia, primary, 37; Spermatogenic failure 18. Last evaluated: 2026-02-01. Review status: criteria provided, single submitter. Criteria: Invitae Variant Classification Sherloc (09022015). Collection method: clinical testing. Allele origin: germline.

CeGaT Center for Human Genetics Tuebingen
Classification: Benign. Last evaluated: 2025-09-01. Review status: criteria provided, single submitter. Criteria: CeGaT Center For Human Genetics Tuebingen Variant Classification Criteria Version 2. Collection method: clinical testing. Allele origin: germline. Affected: yes. Observed: 4 variant alleles.
Comment: DNAH1: BP4, BP7, BS1, BS2

Mayo Clinic Laboratories, Mayo Clinic
Classification: Benign. Last evaluated: 2025-02-14. Review status: criteria provided, single submitter. Criteria: ACMG Guidelines, 2015. Collection method: clinical testing. Allele origin: germline. Observed: 2 variant alleles.
Comment: BS1, BS2, BP4, BP7

ARUP Laboratories, Molecular Genetics and Genomics, ARUP Laboratories
Classification: Likely benign. Last evaluated: 2024-11-04. Review status: criteria provided, single submitter. Criteria: ARUP Molecular Germline Variant Investigation Process 2024. Collection method: clinical testing. Allele origin: germline.

Breakthrough Genomics
Classification: Benign. Review status: criteria provided, single submitter. Criteria: ACMG Guidelines, 2015. Collection method: not provided. Allele origin: germline. Inheritance: Autosomal recessive inheritance. Affected: yes.